The following is an entry in ClinVar:

ClinVar aggregate classification (germline): Benign/Likely benign. Review status: criteria provided, multiple submitters, no conflicts (2 of 4 stars). 3 submissions from 3 submitters: Benign (1); Likely benign (2). Last evaluated 2026-05-05.

Conditions:
Colorectal cancer, hereditary nonpolyposis, type 7. Identifiers: Orphanet 144, MedGen C1858380, MONDO:0013725, OMIM 614385.

Allele frequency attached by ClinVar (database versions not stated): gnomAD exomes below 0.00001.
gnomAD v4.1: 6 of 1,614,172 alleles (0.00037%); highest among the groups gnomAD compares: Non-Finnish European, 0.00051%; no homozygotes.

Submissions (3):

Myriad Genetics, Inc.
Classification: Benign for Colorectal cancer, hereditary nonpolyposis, type 7. Last evaluated: 2026-05-05. Review status: criteria provided, single submitter. Criteria: Myriad Autosomal Dominant, Autosomal Recessive and X-Linked Classification Criteria (2023). Collection method: clinical testing. Allele origin: unknown.
Comment: This variant is considered benign. This variant is a silent/synonymous amino acid change and it is not expected to impact splicing.

Labcorp Genetics (formerly Invitae), Labcorp
Classification: Likely benign for Colorectal cancer, hereditary nonpolyposis, type 7. Last evaluated: 2022-03-13. Review status: criteria provided, single submitter. Criteria: Invitae Variant Classification Sherloc (09022015). Collection method: clinical testing. Allele origin: germline.

Ambry Genetics
Classification: Likely benign. Last evaluated: 2019-11-18. Review status: criteria provided, single submitter. Criteria: Ambry Variant Classification Scheme 2023. Collection method: clinical testing. Allele origin: germline.

NM_001040108.2(MLH3):c.2937T>C (p.Val979=)

Gene: MLH3 (mutL homolog 3; minus strand). Cytogenetic location: 14q24.3.
Variant type: single nucleotide variant.
Coding change: c.2937T>C on transcript NM_001040108.2 (MANE Select); coding-DNA position 2937, T replaced by C.
Protein change: p.Val979=; no amino-acid change (valine 979 retained).
Molecular consequence: synonymous variant.
Genome position (GRCh38, 1-based): chr14:75,046,719, A>G on the plus strand (T>C on the coding strand, the complement: MLH3 is on the minus strand). VCF-style: chr14-75046719-A-G. GRCh37 (hg19) VCF-style: chr14-75513422-A-G.
Other names: c.2937T>C, p.Val979= (NM_014381.3).
Identifiers: ClinVar variation 1797873 (VCV001797873.8), dbSNP rs2503257511, ClinGen allele CA487273440.